The following is an entry in ClinVar:

NM_022124.6(CDH23):c.5101G>A (p.Glu1701Lys)

Gene: CDH23 (cadherin related 23; plus strand). Cytogenetic location: 10q22.1.
Variant type: single nucleotide variant.
Coding change: c.5101G>A on transcript NM_022124.6 (MANE Select); coding-DNA position 5101, G replaced by A.
Protein change: p.Glu1701Lys; replaces glutamic acid 1701 with lysine.
Molecular consequence: missense variant.
Genome position (GRCh38, 1-based): chr10:71,778,222, G>A. VCF-style: chr10-71778222-G-A. GRCh37 (hg19) VCF-style: chr10-73537979-G-A.
Other names: c.5101G>A (NM_022124.5); short protein forms E1701K.
Identifiers: ClinVar variation 2136884 (VCV002136884.15), dbSNP rs764025875, ClinGen allele CA5545644.

ClinVar aggregate classification (germline): Conflicting classifications of pathogenicity. Review status: criteria provided, conflicting classifications (1 of 4 stars). 7 submissions from 7 submitters: Pathogenic (1); Likely pathogenic (5); Uncertain significance (1). Last evaluated 2025-04-18.

Conditions:
Usher syndrome type 1D (USH1D). Also called: USHER SYNDROME, TYPE ID. Identifiers: Orphanet 231169, Orphanet 886, MedGen C1832845, MONDO:0010984, OMIM 601067.
Pituitary adenoma 5, multiple types. Identifiers: MedGen C4539685, MONDO:0054601, OMIM 617540.
Autosomal recessive nonsyndromic hearing loss 12. Also called: DEAFNESS, AUTOSOMAL RECESSIVE 12. Identifiers: Orphanet 90636, MedGen C1832394, MONDO:0011067, OMIM 601386.
Usher syndrome. Also called: Usher Syndromes; Usher's syndrome. Identifiers: Orphanet 886, MedGen CN469326, MeSH D052245, MONDO:0019501. Disease mechanism: loss of function.
CDH23-related disorder. Also called: CDH23-related disorders; CDH23-related condition.

Allele frequency attached by ClinVar (database versions not stated): ExAC 0.00001; gnomAD 0.00001.
gnomAD v4.1: 13 of 1,613,686 alleles (0.00081%); highest among the groups gnomAD compares: Admixed American, 0.0067%; no homozygotes.

Submissions (7):

GeneDx
Classification: Uncertain significance. Last evaluated: 2025-04-18. Review status: criteria provided, single submitter. Criteria: GeneDx Variant Classification Process June 2021. Collection method: clinical testing. Allele origin: germline.
Comment: In silico analysis supports that this missense variant has a deleterious effect on protein structure/function; This variant is associated with the following publications: (PMID: 35186384, 24416283, 29287849)

Labcorp Genetics (formerly Invitae), Labcorp
Classification: Pathogenic. Last evaluated: 2024-09-28. Review status: criteria provided, single submitter. Criteria: Invitae Variant Classification Sherloc (09022015). Collection method: clinical testing. Allele origin: germline.
Comment: This sequence change replaces glutamic acid, which is acidic and polar, with lysine, which is basic and polar, at codon 1701 of the CDH23 protein (p.Glu1701Lys). This variant is present in population databases (rs764025875, gnomAD 0.01%). This missense change has been observed in individual(s) with deafness (PMID: 24416283, 29287849; internal data). In at least one individual the data is consistent with being in trans (on the opposite chromosome) from a pathogenic variant. It has also been observed to segregate with disease in related individuals. ClinVar contains an entry for this variant (Variation ID: 2136884). Invitae Evidence Modeling of protein sequence and biophysical properties (such as structural, functional, and spatial information, amino acid conservation, physicochemical variation, residue mobility, and thermodynamic stability) indicates that this missense variant is expected to disrupt CDH23 protein function with a positive predictive value of 80%. For these reasons, this variant has been classified as Pathogenic.

Fulgent Genetics
Classification: Likely pathogenic for Usher syndrome type 1D; Autosomal recessive nonsyndromic hearing loss 12; Pituitary adenoma 5, multiple types. Last evaluated: 2024-03-20. Review status: criteria provided, single submitter. Criteria: ACMG Guidelines, 2015. Collection method: clinical testing. Allele origin: germline.

Women's Health and Genetics/Laboratory Corporation of America, LabCorp
Classification: Likely pathogenic for Usher syndrome. Last evaluated: 2024-03-07. Review status: criteria provided, single submitter. Criteria: LabCorp Variant Classification Summary - May 2015. Collection method: clinical testing. Allele origin: germline.
Comment: Variant summary: CDH23 c.5101G>A (p.Glu1701Lys) results in a conservative amino acid change in the encoded protein sequence. Three of four in-silico tools predict a damaging effect of the variant on protein function. The variant allele was found at a frequency of 1.6e-05 in 249230 control chromosomes. c.5101G>A has been reported in the literature in individuals as a co-segregating homozygous genotype or a compound heterozygous genotype in individuals affected with non syndromic hearing loss (example, Ganapathy_2014, Liang_2018). These data indicate that the variant is likely to be associated with disease. To our knowledge, no experimental evidence demonstrating an impact on protein function has been reported. The following publications have been ascertained in the context of this evaluation (PMID: 31445392, 34752165, 24416283, 29287849). ClinVar contains an entry for this variant (Variation ID: 2136884). Based on the evidence outlined above, the variant was classified as likely pathogenic.

Baylor Genetics
Classification: Likely pathogenic for Pituitary adenoma 5, multiple types. Last evaluated: 2024-02-18. Review status: criteria provided, single submitter. Criteria: ACMG Guidelines, 2015. Collection method: clinical testing. Allele origin: unknown.

Blueprint Genetics
Classification: Likely pathogenic for CDH23-related disorders. Last evaluated: 2019-02-15. Review status: criteria provided, single submitter. Criteria: ACMG Guidelines, 2015. Collection method: clinical testing. Allele origin: germline. Affected: yes. Observed: 2 variant alleles.

Juno Genomics, Hangzhou Juno Genomics, Inc
Classification: Likely pathogenic for Pituitary adenoma 5, multiple types; Autosomal recessive nonsyndromic hearing loss 12; Usher syndrome type 1D. Review status: criteria provided, single submitter. Criteria: ACMG Guidelines, 2015. Collection method: clinical testing. Allele origin: germline.
Comment: Absent from controls (or at extremely low frequency if recessive) in Genome Aggregation Database.;Multiple lines of computational evidence support a deleterious effect on the gene or gene product.;For recessive disorders, detected in trans with a pathogenic variant.;Co-segregation with disease in multiple affected family members.;Patient's phenotype or family history is highly specific for a disease with a single genetic etiology.

Literature cited by the submitters: PubMed 24416283 (cited by Labcorp Genetics (formerly Invitae), Labcorp and Women's Health and Genetics/Laboratory Corporation of America, LabCorp); PubMed 29287849 (cited by Labcorp Genetics (formerly Invitae), Labcorp and Women's Health and Genetics/Laboratory Corporation of America, LabCorp); PubMed 31445392 (cited by Women's Health and Genetics/Laboratory Corporation of America, LabCorp); PubMed 34752165 (cited by Women's Health and Genetics/Laboratory Corporation of America, LabCorp).